The following is an entry in ClinVar:

NM_015107.3(PHF8):c.1996-8T>C

Gene: PHF8 (PHD finger protein 8; minus strand). Cytogenetic location: Xp11.22.
Variant type: single nucleotide variant.
Coding change: c.1996-8T>C on transcript NM_015107.3 (MANE Select); 8 bases into the intron before coding-DNA position 1996, T replaced by C.
Molecular consequence: intron variant.
Genome position (GRCh38, 1-based): chrX:53,985,957, A>G on the plus strand (T>C on the coding strand, the complement: PHF8 is on the minus strand). VCF-style: chrX-53985957-A-G. GRCh37 (hg19) VCF-style: chrX-54012390-A-G.
Other names: c.2104-8T>C (NM_001184896.1); c.1693-8T>C (NM_001184897.2); c.1996-8T>C (NM_001184898.2).
Identifiers: ClinVar variation 785702 (VCV000785702.8), dbSNP rs144936825, ClinGen allele CA10423367.
Genomic context (GRCh38, chrX:53,985,957, plus strand): 5'-CCAAGCTTGCCTTCAACCCCTTCCACCATGTCCTCATCTGTTGTATAGTCCTCCTGTTGG[A>G]GAGAGAGTGTATCACCTCAGCTGCCCAGGATTGGTCTGGTAAGGCCCCAGTACAGGGGCG-3'

ClinVar aggregate classification (germline): Benign/Likely benign. Review status: criteria provided, multiple submitters, no conflicts (2 of 4 stars). 3 submissions from 3 submitters: Benign (1); Likely benign (1). 1 of the submissions does not count toward it. Last evaluated 2025-12-26.

Conditions:
PHF8-related disorder. Also called: PHF8-related condition.

Allele frequency attached by ClinVar (database versions not stated): gnomAD exomes 0.00051 and 0.00144; ExAC 0.00176; 1000 Genomes Project 30x 0.00271; 1000 Genomes Project 0.00291; gnomAD 0.00583 and 0.00631; TOPMed 0.00669; ESP Exome Variant Server 0.00767.

Submissions (3):

Labcorp Genetics (formerly Invitae), Labcorp
Classification: Benign. Last evaluated: 2025-12-26. Review status: criteria provided, single submitter. Criteria: Invitae Variant Classification Sherloc (09022015). Collection method: clinical testing. Allele origin: germline.

Blueprint Genetics
Classification: Likely benign. Last evaluated: 2024-11-11. Review status: criteria provided, single submitter. Criteria: ACMG Guidelines, 2015. Collection method: clinical testing. Allele origin: germline.

PreventionGenetics, part of Exact Sciences
Classification: Benign for PHF8-related condition. Last evaluated: 2020-02-14. Review status: no assertion criteria provided. Collection method: clinical testing. Allele origin: germline. Not counted in ClinVar's aggregate classification.
Comment: This variant is classified as benign based on ACMG/AMP sequence variant interpretation guidelines (Richards et al. 2015 PMID: 25741868, with internal and published modifications).